The following is an entry in ClinVar:

NM_000090.4(COL3A1):c.2257G>A (p.Gly753Ser)

Gene: COL3A1 (collagen type III alpha 1 chain; plus strand). Cytogenetic location: 2q32.2.
Variant type: single nucleotide variant.
Coding change: c.2257G>A on transcript NM_000090.4 (MANE Select); coding-DNA position 2257, G replaced by A.
Protein change: p.Gly753Ser; replaces glycine 753 with serine.
Molecular consequence: missense variant.
Genome position (GRCh38, 1-based): chr2:188,999,869, G>A. VCF-style: chr2-188999869-G-A. GRCh37 (hg19) VCF-style: chr2-189864595-G-A.
Other names: short protein forms G753S.
Identifiers: ClinVar variation 4818980 (VCV004818980.1).

ClinVar aggregate classification (germline): Likely pathogenic (1 of 4 stars; one submission).

Conditions:
Ehlers-Danlos syndrome, type 4 (EDSVASC). Also called: Ehlers-Danlos syndrome vascular type; Ehlers Danlos syndrome, ecchymotic type; Ehlers Danlos syndrome, arterial type; Ehlers Danlos syndrome, Sack-Barabas type; Ehlers-Danlos Syndrome Type IV. Identifiers: Orphanet 286, MedGen C0268338, MONDO:0017314, OMIM 130050.

Submission:

Victorian Clinical Genetics Services, Murdoch Childrens Research Institute
Classification: Likely pathogenic for Ehlers-Danlos syndrome, type 4. Last evaluated: 2025-12-11. Review status: criteria provided, single submitter. Criteria: ACMG Guidelines, 2015. Collection method: clinical testing. Allele origin: germline. Affected: yes.
Comment: This variant is classified as Likely pathogenic. Evidence in support of pathogenic classification: Variant is absent from gnomAD (v2, v3 and v4); Another missense variant comparable to the one identified in this case has limited previous evidence for pathogenicity. p.(Gly753Cys) has been classified as likely pathogenic by a clinical laboratory in ClinVar; Variant is located in the well-established functional Gly-X-Y motif in the collagen triple helical domain (UniProt); Missense variant predicted to be damaging by in silico tool(s) or highly conserved with a major amino acid change. Additional information: Variant is predicted to result in a missense amino acid change from Gly to Ser; This variant is heterozygous; This gene is associated with both recessive and dominant disease. There is currently no genotype-phenotype correlation between autosomal dominant Ehlers-Danlos syndrome, vascular type (MIM#130050) and autosomal recessive polymicrogyria with or without vascular-type EDS (MIM#618343); Alternative amino acid change(s) at the same position are present in gnomAD (highest allele count: v4: 3 heterozygote(s), 0 homozygote(s)); This variant has no previous evidence of pathogenicity; No published evidence of segregation with disease has been identified for this variant; No published functional evidence has been identified for this variant; Dominant negative and loss of function are known mechanisms of disease in this gene. Dominant-negative is due to missense variants affecting glycine residues in the Gly-X-Y repeat within the triple helical region, while loss-of-function is due to null alleles (PMID: 29346445); Variants in this gene are known to have variable expressivity (PMID: 20301667); Inheritance information for this variant is not currently available in this individual.

Literature cited by the submitters: PubMed 20301667; PubMed 29346445.